The following is an entry in ClinVar:

NM_006516.4(SLC2A1):c.272_273insAAGG (p.Arg93fs)

Gene: SLC2A1 (solute carrier family 2 member 1; minus strand). Cytogenetic location: 1p34.2.
Variant type: Insertion.
Coding change: c.272_273insAAGG on transcript NM_006516.4 (MANE Select); coding-DNA positions 272 to 273, AAGG inserted.
Protein change: p.Arg93fs; shifts the reading frame from arginine 93.
Molecular consequence: frameshift variant.
Genome position: GRCh38 VCF-style: chr1-42931048-G-GCCTT. GRCh37 (hg19) VCF-style: chr1-43396719-G-GCCTT.
Other names: short protein forms R93fs.
Identifiers: ClinVar variation 2860367 (VCV002860367.3), dbSNP rs2524998969, ClinGen allele CA2739272511.
Genomic context (GRCh38, chr1:42,931,048, plus strand): 5'-TCCCTGGGCAGGAGGGCATGGGCCCTCCAAGGGCAGTGCCAGGACCTCTCCTACTTACCG[G>GCCTT]CCAAAGCGGTTAACGAAAAGGCCCACAGAGAAGGAGCCAATCATGCCCCCAACAGAAAAG-3'

ClinVar aggregate classification (germline): Pathogenic (1 of 4 stars; one submission).

Conditions:
GLUT1 deficiency syndrome 1, autosomal recessive. Identifiers: MedGen C3149117.

Submission:

Labcorp Genetics (formerly Invitae), Labcorp
Classification: Pathogenic for GLUT1 deficiency syndrome 1, autosomal recessive. Last evaluated: 2023-04-28. Review status: criteria provided, single submitter. Criteria: Invitae Variant Classification Sherloc (09022015). Collection method: clinical testing. Allele origin: germline.
Comment: This variant has not been reported in the literature in individuals affected with SLC2A1-related conditions. For these reasons, this variant has been classified as Pathogenic. This variant is not present in population databases (gnomAD no frequency). This sequence change creates a premature translational stop signal (p.Arg93Profs*29) in the SLC2A1 gene. It is expected to result in an absent or disrupted protein product. Loss-of-function variants in SLC2A1 are known to be pathogenic (PMID: 21832227, 26193382).

Literature cited by the submitters: PubMed 21832227; PubMed 26193382.